The following is an entry in ClinVar:

NM_006642.5(SDCCAG8):c.1420G>A (p.Glu474Lys)

Gene: SDCCAG8 (SHH signaling and ciliogenesis regulator SDCCAG8; plus strand). Cytogenetic location: 1q43.
Variant type: single nucleotide variant.
Coding change: c.1420G>A on transcript NM_006642.5 (MANE Select); coding-DNA position 1420, G replaced by A.
Protein change: p.Glu474Lys; replaces glutamic acid 474 with lysine.
Molecular consequence: missense variant.
Genome position (GRCh38, 1-based): chr1:243,344,278, G>A. VCF-style: chr1-243344278-G-A. GRCh37 (hg19) VCF-style: chr1-243507580-G-A.
Other names: c.517G>A, p.Glu173Lys (NM_001350246.2, NM_001350247.2, NM_001350251.2); c.1516G>A, p.Glu506Lys (NM_001350248.2); c.1126G>A, p.Glu376Lys (NM_001350249.2); short protein forms E173K, E376K, E474K, E506K.
Identifiers: ClinVar variation 1045220 (VCV001045220.8), dbSNP rs2075566223, ClinGen allele CA345475940.

ClinVar aggregate classification (germline): Uncertain significance (1 of 4 stars; one submission).

Conditions:
Senior-Loken syndrome 7 (SLSN7). Identifiers: Orphanet 3156, MedGen C3150877, MONDO:0013326, OMIM 613615.
Bardet-Biedl syndrome 16 (BBS16). Identifiers: Orphanet 110, MedGen C3889474, MONDO:0014444, OMIM 615993.

gnomAD v4.1: 1 of 1,614,002 alleles (0.000062%); no homozygotes.

Submission:

Labcorp Genetics (formerly Invitae), Labcorp
Classification: Uncertain significance for Bardet-Biedl syndrome 16; Senior-Loken syndrome 7. Last evaluated: 2023-10-03. Review status: criteria provided, single submitter. Criteria: Invitae Variant Classification Sherloc (09022015). Collection method: clinical testing. Allele origin: germline.
Comment: This sequence change replaces glutamic acid, which is acidic and polar, with lysine, which is basic and polar, at codon 474 of the SDCCAG8 protein (p.Glu474Lys). This variant is not present in population databases (gnomAD no frequency). This variant has not been reported in the literature in individuals affected with SDCCAG8-related conditions. ClinVar contains an entry for this variant (Variation ID: 1045220). Advanced modeling of protein sequence and biophysical properties (such as structural, functional, and spatial information, amino acid conservation, physicochemical variation, residue mobility, and thermodynamic stability) performed at Invitae indicates that this missense variant is not expected to disrupt SDCCAG8 protein function. In summary, the available evidence is currently insufficient to determine the role of this variant in disease. Therefore, it has been classified as a Variant of Uncertain Significance.